The following is an entry in ClinVar:

NM_001805.4(CEBPE):c.567_568dup (p.Ala190fs)

Gene: CEBPE (CCAAT enhancer binding protein epsilon; minus strand). Cytogenetic location: 14q11.2.
Variant type: Duplication.
Coding change: c.567_568dup on transcript NM_001805.4 (MANE Select); coding-DNA positions 567 to 568, 2 bases duplicated (GG; older notation c.567_568dupGG).
Protein change: p.Ala190fs; shifts the reading frame from alanine 190.
Molecular consequence: frameshift variant.
Genome position (GRCh38, 1-based): chr14:23,117,765-23,117,766, CC duplicated on the plus strand (GG on the coding strand, the reverse complement: CEBPE is on the minus strand). VCF-style (leftmost placement, unchanged base first): chr14-23117764-G-GCC. GRCh37 (hg19) VCF-style: chr14-23586973-G-GCC.
Other names: short protein forms A190fs.
Identifiers: ClinVar variation 967204 (VCV000967204.8), dbSNP rs2048516315, ClinGen allele CA1139663357.

ClinVar aggregate classification (germline): Uncertain significance (1 of 4 stars; one submission).

Conditions:
Specific granule deficiency. Identifiers: Orphanet 169142, MedGen C0398593, MONDO:0009506.

Submission:

Labcorp Genetics (formerly Invitae), Labcorp
Classification: Uncertain significance for Specific granule deficiency. Last evaluated: 2019-10-27. Review status: criteria provided, single submitter. Criteria: Invitae Variant Classification Sherloc (09022015). Collection method: clinical testing. Allele origin: germline.
Comment: This sequence change results in a premature translational stop signal in the CEBPE gene (p.Ala190Glyfs*12). While this is not anticipated to result in nonsense mediated decay, it is expected to disrupt the last 92 amino acids of the CEBPE protein. This variant is not present in population databases (ExAC no frequency). This variant has not been reported in the literature in individuals with CEBPE-related conditions. Experimental studies and prediction algorithms are not available or were not evaluated, and the functional significance of this variant is currently unknown. In summary, the available evidence is currently insufficient to determine the role of this variant in disease. Therefore, it has been classified as a Variant of Uncertain Significance.